The following is an entry in ClinVar:

NM_006393.3(NEBL):c.1227+4C>T

Gene: NEBL (nebulette; minus strand). Cytogenetic location: 10p12.31.
Variant type: single nucleotide variant.
Coding change: c.1227+4C>T on transcript NM_006393.3 (MANE Select); 4 bases into the intron after coding-DNA position 1227, C replaced by T.
Molecular consequence: intron variant.
Genome position (GRCh38, 1-based): chr10:20,845,254, G>A on the plus strand (C>T on the coding strand, the complement: NEBL is on the minus strand). VCF-style: chr10-20845254-G-A. GRCh37 (hg19) VCF-style: chr10-21134183-G-A.
Other names: c.250-32314C>T (NM_001377328.1, NM_001377326.1, NM_001377327.1); c.358-32314C>T (NM_213569.2, NM_001173484.2, NM_001377322.1); c.301-32314C>T (NM_001377324.1); c.292-32314C>T (NM_001377325.1); c.310-32314C>T (NM_001377323.1).
Identifiers: ClinVar variation 1025484 (VCV001025484.33), dbSNP rs373813159, ClinGen allele CA5432946.
Genomic context (GRCh38, chr10:20,845,254, plus strand): 5'-ACATTTCCTGGGTTTTTTCTTTACTTTTCTTCATAATATTTAATAATAAACACCAAGATC[G>A]TACCTCCCTCAGAAGGTTGGTGATGTACTTTACATGTAAAAATTCTGGAGTCTTGTCTAA-3'

ClinVar aggregate classification (germline): Conflicting classifications of pathogenicity. Review status: criteria provided, conflicting classifications (1 of 4 stars). 2 submissions from 2 submitters: Uncertain significance (1); Likely benign (1). Last evaluated 2025-03-31.

Conditions:
Primary dilated cardiomyopathy (DCM). Also called: Dilated Cardiomyopathy. Identifiers: Orphanet 217604, MedGen C0007193, MeSH D002311, MONDO:0005021, HP:0001644. Inheritance: Various modes of inheritance.

Allele frequency attached by ClinVar (database versions not stated): TOPMed 0.00002; gnomAD 0.00003 and 0.00004; gnomAD exomes 0.00003 and 0.00004; ExAC 0.00006; ESP Exome Variant Server 0.00008.
gnomAD v4.1: 44 of 1,519,700 alleles (0.0029%); highest among the groups gnomAD compares: Middle Eastern, 0.017%; no homozygotes.

Submissions (2):

Labcorp Genetics (formerly Invitae), Labcorp
Classification: Uncertain significance for Primary dilated cardiomyopathy. Last evaluated: 2025-03-31. Review status: criteria provided, single submitter. Criteria: Invitae Variant Classification Sherloc (09022015). Collection method: clinical testing. Allele origin: germline.
Comment: This sequence change falls in intron 12 of the NEBL gene. It does not directly change the encoded amino acid sequence of the NEBL protein. It affects a nucleotide within the consensus splice site. This variant is present in population databases (rs373813159, gnomAD 0.007%). This variant has not been reported in the literature in individuals affected with NEBL-related conditions. ClinVar contains an entry for this variant (Variation ID: 1025484). Variants that disrupt the consensus splice site are a relatively common cause of aberrant splicing (PMID: 17576681, 9536098). Algorithms developed to predict the effect of sequence changes on RNA splicing suggest that this variant is not likely to affect RNA splicing. In summary, the available evidence is currently insufficient to determine the role of this variant in disease. Therefore, it has been classified as a Variant of Uncertain Significance.

CeGaT Center for Human Genetics Tuebingen
Classification: Likely benign. Last evaluated: 2023-10-01. Review status: criteria provided, single submitter. Criteria: CeGaT Center For Human Genetics Tuebingen Variant Classification Criteria Version 2. Collection method: clinical testing. Allele origin: germline. Affected: yes. Observed: 2 variant alleles.
Comment: NEBL: BP4

Literature cited by the submitters: PubMed 17576681 (cited by Labcorp Genetics (formerly Invitae), Labcorp); PubMed 9536098 (cited by Labcorp Genetics (formerly Invitae), Labcorp).